The following is an entry in ClinVar:

ClinVar aggregate classification (germline): Uncertain significance. Review status: criteria provided, multiple submitters, no conflicts (2 of 4 stars). 3 submissions from 3 submitters: Uncertain significance (3). Last evaluated 2025-02-23.

Conditions:
Juvenile polyposis syndrome (JPS). Identifiers: Orphanet 2929, MedGen C0345893, MONDO:0017380, OMIM 174900.
Hereditary cancer-predisposing syndrome. Also called: Hereditary neoplastic syndrome; Neoplastic Syndromes, Hereditary; Tumor predisposition; Hereditary Cancer Syndrome. Identifiers: Orphanet 140162, MedGen C0027672, MeSH D009386, MONDO:0015356.

Allele frequency attached by ClinVar (database versions not stated): gnomAD exomes below 0.00001.
gnomAD v4.1: 1 of 1,613,940 alleles (0.000062%); highest among the groups gnomAD compares: East Asian, 0.0022%; no homozygotes.

Submissions (3):

Labcorp Genetics (formerly Invitae), Labcorp
Classification: Uncertain significance for Juvenile polyposis syndrome. Last evaluated: 2025-02-23. Review status: criteria provided, single submitter. Criteria: Invitae Variant Classification Sherloc (09022015). Collection method: clinical testing. Allele origin: germline.
Comment: This sequence change replaces glutamine, which is neutral and polar, with lysine, which is basic and polar, at codon 304 of the BMPR1A protein (p.Gln304Lys). This variant is present in population databases (no rsID available, gnomAD 0.006%). This variant has not been reported in the literature in individuals affected with BMPR1A-related conditions. ClinVar contains an entry for this variant (Variation ID: 460516). Invitae Evidence Modeling of protein sequence and biophysical properties (such as structural, functional, and spatial information, amino acid conservation, physicochemical variation, residue mobility, and thermodynamic stability) indicates that this missense variant is not expected to disrupt BMPR1A protein function with a negative predictive value of 80%. In summary, the available evidence is currently insufficient to determine the role of this variant in disease. Therefore, it has been classified as a Variant of Uncertain Significance.

Ambry Genetics
Classification: Uncertain significance for Hereditary cancer-predisposing syndrome. Last evaluated: 2024-05-04. Review status: criteria provided, single submitter. Criteria: Ambry Variant Classification Scheme 2023. Collection method: clinical testing. Allele origin: germline.
Comment: The p.Q304K variant (also known as c.910C>A), located in coding exon 8 of the BMPR1A gene, results from a C to A substitution at nucleotide position 910. The glutamine at codon 304 is replaced by lysine, an amino acid with similar properties. This amino acid position is highly conserved in available vertebrate species. In addition, the in silico prediction for this alteration is inconclusive. Since supporting evidence is limited at this time, the clinical significance of this alteration remains unclear.

Color Diagnostics, LLC DBA Color Health
Classification: Uncertain significance for Hereditary cancer-predisposing syndrome. Last evaluated: 2022-08-08. Review status: criteria provided, single submitter. Criteria: ACMG Guidelines, 2015. Collection method: clinical testing. Allele origin: germline.
Comment: This missense variant replaces glutamine with lysine at codon 304 of the BMPR1A protein. Computational prediction suggests that this variant may not impact protein structure and function (internally defined REVEL score threshold <= 0.5, PMID: 27666373). To our knowledge, functional studies have not been reported for this variant. This variant has not been reported in individuals affected with hereditary cancer in the literature. This variant has been identified in 1/251030 chromosomes in the general population by the Genome Aggregation Database (gnomAD). The available evidence is insufficient to determine the role of this variant in disease conclusively. Therefore, this variant is classified as a Variant of Uncertain Significance.

NM_004329.3(BMPR1A):c.910C>A (p.Gln304Lys)

Gene: BMPR1A (bone morphogenetic protein receptor type 1A; plus strand). Cytogenetic location: 10q23.2.
Variant type: single nucleotide variant.
Coding change: c.910C>A on transcript NM_004329.3 (MANE Select); coding-DNA position 910, C replaced by A.
Protein change: p.Gln304Lys; replaces glutamine 304 with lysine.
Molecular consequence: missense variant.
Genome position (GRCh38, 1-based): chr10:86,919,213, C>A. VCF-style: chr10-86919213-C-A. GRCh37 (hg19) VCF-style: chr10-88678970-C-A.
Other names: short protein forms Q304K.
Identifiers: ClinVar variation 460516 (VCV000460516.21), dbSNP rs1404557708, ClinGen allele CA377459999.
Genomic context (GRCh38, chr10:86,919,213, plus strand): 5'-AAACTCATCAACTGGACAGGTTTCATAGCGGCAGACATTAAAGGTACAGGTTCCTGGACT[C>A]AGCTCTATTTGATTACTGATTACCATGAAAATGGATCTCTCTATGACTTCCTGAAATGTG-3'
Protein context (NP_004320.2, residues 294-314): ADIKGTGSWT[Gln304Lys]LYLITDYHEN